The following is an entry in ClinVar:

ClinVar aggregate classification (germline): Uncertain significance (1 of 4 stars; one submission).

Allele frequency attached by ClinVar (database versions not stated): gnomAD exomes below 0.00001; TOPMed 0.00001.
gnomAD v4.1: 2 of 1,610,396 alleles (0.00012%); highest among the groups gnomAD compares: African/African-American, 0.0013%; no homozygotes.

Submission:

Labcorp Genetics (formerly Invitae), Labcorp
Classification: Uncertain significance. Last evaluated: 2024-08-13. Review status: criteria provided, single submitter. Criteria: Invitae Variant Classification Sherloc (09022015). Collection method: clinical testing. Allele origin: germline.
Comment: This sequence change replaces histidine, which is basic and polar, with tyrosine, which is neutral and polar, at codon 1011 of the ALPK1 protein (p.His1011Tyr). This variant is present in population databases (no rsID available, gnomAD 0.007%). This variant has not been reported in the literature in individuals affected with ALPK1-related conditions. Invitae Evidence Modeling of protein sequence and biophysical properties (such as structural, functional, and spatial information, amino acid conservation, physicochemical variation, residue mobility, and thermodynamic stability) indicates that this missense variant is not expected to disrupt ALPK1 protein function with a negative predictive value of 80%. In summary, the available evidence is currently insufficient to determine the role of this variant in disease. Therefore, it has been classified as a Variant of Uncertain Significance.

NM_025144.4(ALPK1):c.3031C>T (p.His1011Tyr)

Gene: ALPK1 (alpha kinase 1; plus strand). Cytogenetic location: 4q25.
Variant type: single nucleotide variant.
Coding change: c.3031C>T on transcript NM_025144.4 (MANE Select); coding-DNA position 3031, C replaced by T.
Protein change: p.His1011Tyr; replaces histidine 1011 with tyrosine.
Molecular consequence: missense variant.
Genome position (GRCh38, 1-based): chr4:112,432,578, C>T. VCF-style: chr4-112432578-C-T. GRCh37 (hg19) VCF-style: chr4-113353734-C-T.
Other names: c.3031C>T, p.His1011Tyr (NM_001102406.2); c.2797C>T, p.His933Tyr (NM_001253884.2); short protein forms H1011Y, H933Y.
Identifiers: ClinVar variation 2906718 (VCV002906718.3), dbSNP rs1373948157, ClinGen allele CA357903415.
Genomic context (GRCh38, chr4:112,432,578, plus strand): 5'-TGGCTGTTTCAGAGACTAGAGAATACGGGGGTTTTTAAGCCCAGTCAACTCCACCGAGCA[C>T]ATAGTAAGTACAATCTTTTCAATAGTTCCCCCCTCAGGAAGCAGCTGTGTTGGGGCACTC-3'
Protein context (NP_079420.3, residues 1001-1021): VFKPSQLHRA[His1011Tyr]SALLLKYSKK